The following is an entry in ClinVar:

ClinVar aggregate classification (germline): Uncertain significance (1 of 4 stars; one submission).

Allele frequency attached by ClinVar (database versions not stated): gnomAD 0.00001.
gnomAD v4.1: 11 of 1,596,114 alleles (0.00069%); highest among the groups gnomAD compares: African/African-American, 0.004%; no homozygotes.

Submission:

Labcorp Genetics (formerly Invitae), Labcorp
Classification: Uncertain significance. Last evaluated: 2024-01-07. Review status: criteria provided, single submitter. Criteria: Invitae Variant Classification Sherloc (09022015). Collection method: clinical testing. Allele origin: germline.
Comment: This sequence change falls in intron 10 of the ATR gene. It does not directly change the encoded amino acid sequence of the ATR protein. The frequency data for this variant in the population databases is considered unreliable, as metrics indicate poor data quality at this position in the gnomAD database. This variant has not been reported in the literature in individuals affected with ATR-related conditions. ClinVar contains an entry for this variant (Variation ID: 1507749). Algorithms developed to predict the effect of sequence changes on RNA splicing suggest that this variant may disrupt the consensus splice site. In summary, the available evidence is currently insufficient to determine the role of this variant in disease. Therefore, it has been classified as a Variant of Uncertain Significance.

NM_001184.4(ATR):c.2342-7C>A

Gene: ATR (ATR serine/threonine kinase; minus strand). Cytogenetic location: 3q23.
Variant type: single nucleotide variant.
Coding change: c.2342-7C>A on transcript NM_001184.4 (MANE Select); 7 bases into the intron before coding-DNA position 2342, C replaced by A.
Molecular consequence: intron variant.
Genome position (GRCh38, 1-based): chr3:142,554,022, G>T on the plus strand (C>A on the coding strand, the complement: ATR is on the minus strand). VCF-style: chr3-142554022-G-T. GRCh37 (hg19) VCF-style: chr3-142272864-G-T.
Other names: c.2150-7C>A (NM_001354579.2).
Identifiers: ClinVar variation 1507749 (VCV001507749.6), dbSNP rs754576598, ClinGen allele CA2650375.
Genomic context (GRCh38, chr3:142,554,022, plus strand): 5'-CATCTTCTCTAAAATCAAGATGCTTACAAAGATGATGTAGATTATCTATGAAAGCTGAAG[G>T]ACAAGAGTATACAATACCTAATTTAACATATTAAATGTCAAGGTTGTACTGTAAAAATAT-3'